The following is an entry in ClinVar:

NM_018975.4(TERF2IP):c.122G>A (p.Arg41Gln)

Gene: TERF2IP (TERF2 interacting protein; plus strand). Cytogenetic location: 16q23.1.
Variant type: single nucleotide variant.
Coding change: c.122G>A on transcript NM_018975.4 (MANE Select); coding-DNA position 122, G replaced by A.
Protein change: p.Arg41Gln; replaces arginine 41 with glutamine.
Molecular consequence: missense variant. On other transcripts: non-coding transcript variant (1).
Genome position (GRCh38, 1-based): chr16:75,648,004, G>A. VCF-style: chr16-75648004-G-A. GRCh37 (hg19) VCF-style: chr16-75681902-G-A.
Other names: short protein forms R41Q.
Identifiers: ClinVar variation 2447510 (VCV002447510.2), dbSNP rs751932544, ClinGen allele CA8177940.

ClinVar aggregate classification (germline): Uncertain significance (1 of 4 stars; one submission).

Allele frequency attached by ClinVar (database versions not stated): ExAC 0.00001; gnomAD exomes 0.00001; TOPMed 0.00001; gnomAD 0.00002.
gnomAD v4.1: 10 of 1,613,040 alleles (0.00062%); highest among the groups gnomAD compares: African/African-American, 0.0013%; no homozygotes.

Submission:

Ambry Genetics
Classification: Uncertain significance. Last evaluated: 2023-01-18. Review status: criteria provided, single submitter. Criteria: Ambry Variant Classification Scheme 2023. Collection method: clinical testing. Allele origin: germline.
Comment: The p.R41Q variant (also known as c.122G>A), located in coding exon 1 of the TERF2IP gene, results from a G to A substitution at nucleotide position 122. The arginine at codon 41 is replaced by glutamine, an amino acid with highly similar properties. This amino acid position is conserved. In addition, this alteration is predicted to be tolerated by in silico analysis. Since supporting evidence is limited at this time, the clinical significance of this alteration remains unclear.